The following is an entry in ClinVar:

NM_000400.4(ERCC2):c.115G>A (p.Val39Ile)

Gene: ERCC2 (ERCC excision repair 2, TFIIH core complex helicase subunit; minus strand). Cytogenetic location: 19q13.32.
Variant type: single nucleotide variant.
Coding change: c.115G>A on transcript NM_000400.4 (MANE Select); coding-DNA position 115, G replaced by A.
Protein change: p.Val39Ile; replaces valine 39 with isoleucine.
Molecular consequence: missense variant.
Genome position (GRCh38, 1-based): chr19:45,369,138, C>T on the plus strand (G>A on the coding strand, the complement: ERCC2 is on the minus strand). VCF-style: chr19-45369138-C-T. GRCh37 (hg19) VCF-style: chr19-45872396-C-T.
Other names: c.43G>A, p.Val15Ile (NM_001130867.2); short protein forms V15I, V39I.
Identifiers: ClinVar variation 1736389 (VCV001736389.3), dbSNP rs778210446, ClinGen allele CA9513908.

ClinVar aggregate classification (germline): Uncertain significance (1 of 4 stars; one submission).

Conditions:
Inborn genetic diseases. Identifiers: MedGen C0950123, MeSH D030342.

Allele frequency attached by ClinVar (database versions not stated): gnomAD exomes below 0.00001; ExAC 0.00002.
gnomAD v4.1: 5 of 1,614,074 alleles (0.00031%); highest among the groups gnomAD compares: South Asian, 0.0022%; no homozygotes.

Submission:

Ambry Genetics
Classification: Uncertain significance for Inborn genetic diseases. Last evaluated: 2024-08-06. Review status: criteria provided, single submitter. Criteria: Ambry Variant Classification Scheme 2023. Collection method: clinical testing. Allele origin: germline.
Comment: The p.V39I variant (also known as c.115G>A), located in coding exon 3 of the ERCC2 gene, results from a G to A substitution at nucleotide position 115. The valine at codon 39 is replaced by isoleucine, an amino acid with highly similar properties. This amino acid position is conserved. In addition, this alteration is predicted to be tolerated by in silico analysis. Since supporting evidence is limited at this time, the clinical significance of this alteration remains unclear.